The following is an entry in ClinVar:

ClinVar aggregate classification (germline): Uncertain significance. Review status: criteria provided, multiple submitters, no conflicts (2 of 4 stars). 2 submissions from 2 submitters: Uncertain significance (2). Last evaluated 2026-02-26.

Conditions:
ACOX1-related disorder. Also called: ACOX1-related disorders; ACOX1-related condition.
Acyl-CoA oxidase deficiency. Also called: STRAIGHT-CHAIN ACYL-CoA OXIDASE DEFICIENCY; Pseudoneonatal adrenoleukodystrophy; Peroxisomal acyl-CoA oxidase deficiency. Identifiers: Orphanet 2971, MedGen C1849678, MONDO:0009919, OMIM 264470. Disease mechanism: loss of function.

Allele frequency attached by ClinVar (database versions not stated): gnomAD exomes 0.00001; ExAC 0.00008; gnomAD 0.00013; TOPMed 0.00013; ESP Exome Variant Server 0.00015; 1000 Genomes Project 0.00040; 1000 Genomes Project 30x 0.00047.

Submissions (2):

PreventionGenetics, part of Exact Sciences
Classification: Uncertain significance for ACOX1-related condition. Last evaluated: 2026-02-26. Review status: criteria provided, single submitter. Criteria: ACMG Guidelines, 2015. Collection method: clinical testing. Allele origin: germline.
Comment: The ACOX1 c.1603G>A variant is predicted to result in the amino acid substitution p.Val535Ile. To our knowledge, this variant has not been reported in the literature. This variant is reported in 0.048% of alleles in individuals of African descent in gnomAD. At this time, the clinical significance of this variant is uncertain due to the absence of conclusive functional and genetic evidence.

Labcorp Genetics (formerly Invitae), Labcorp
Classification: Uncertain significance for Acyl-CoA oxidase deficiency. Last evaluated: 2024-12-10. Review status: criteria provided, single submitter. Criteria: Invitae Variant Classification Sherloc (09022015). Collection method: clinical testing. Allele origin: germline.
Comment: This sequence change replaces valine, which is neutral and non-polar, with isoleucine, which is neutral and non-polar, at codon 535 of the ACOX1 protein (p.Val535Ile). This variant is present in population databases (rs143329013, gnomAD 0.05%). This variant has not been reported in the literature in individuals affected with ACOX1-related conditions. ClinVar contains an entry for this variant (Variation ID: 2069492). Invitae Evidence Modeling of protein sequence and biophysical properties (such as structural, functional, and spatial information, amino acid conservation, physicochemical variation, residue mobility, and thermodynamic stability) indicates that this missense variant is not expected to disrupt ACOX1 protein function with a negative predictive value of 80%. In summary, the available evidence is currently insufficient to determine the role of this variant in disease. Therefore, it has been classified as a Variant of Uncertain Significance.

NM_004035.7(ACOX1):c.1603G>A (p.Val535Ile)

Gene: ACOX1 (acyl-CoA oxidase 1; minus strand). Cytogenetic location: 17q25.1.
Variant type: single nucleotide variant.
Coding change: c.1603G>A on transcript NM_004035.7 (MANE Select); coding-DNA position 1603, G replaced by A.
Protein change: p.Val535Ile; replaces valine 535 with isoleucine.
Molecular consequence: missense variant.
Genome position (GRCh38, 1-based): chr17:75,949,342, C>T on the plus strand (G>A on the coding strand, the complement: ACOX1 is on the minus strand). VCF-style: chr17-75949342-C-T. GRCh37 (hg19) VCF-style: chr17-73945423-C-T.
Other names: c.1603G>A (NM_004035.6); c.1489G>A, p.Val497Ile (NM_001185039.2); c.1603G>A, p.Val535Ile (NM_007292.6); short protein forms V535I, V497I.
Identifiers: ClinVar variation 2069492 (VCV002069492.3), dbSNP rs143329013, ClinGen allele CA8776702.